The following is an entry in ClinVar:

NM_007194.4(CHEK2):c.1564_1576del (p.Pro522fs)

Gene: CHEK2 (checkpoint kinase 2; minus strand). Cytogenetic location: 22q12.1.
Variant type: Deletion.
Coding change: c.1564_1576del on transcript NM_007194.4 (MANE Select); coding-DNA positions 1564 to 1576, 13 bases deleted (CCCCGTGAAGGGG).
Protein change: p.Pro522fs; shifts the reading frame from proline 522.
Molecular consequence: frameshift variant.
Genome position (GRCh38, 1-based): chr22:28,687,953-28,687,965, CCCCTTCACGGGG deleted on the plus strand (CCCCGTGAAGGGG on the coding strand, the reverse complement: CHEK2 is on the minus strand); deleting any 13 consecutive bases within chr22:28,687,953-28,687,967 gives the same sequence; the c. name uses the placement nearest the transcript's 3' end. VCF-style (leftmost placement, unchanged base first): chr22-28687952-TCCCCTTCACGGGG-T. GRCh37 (hg19) VCF-style: chr22-29083940-TCCCCTTCACGGGG-T.
Other names: c.1693_1705del, p.Pro565fs (NM_001005735.3); c.901_913del, p.Pro301fs (NM_001257387.3, NM_001437942.1); c.1363_1375del, p.Pro455fs (NM_001349956.3); c.1657_1669del, p.Pro553fs (NM_001438293.1); c.1606_1618del, p.Pro536fs (NM_001438294.1); c.1570_1582del, p.Pro524fs (NM_001438295.1); c.1477_1489del, p.Pro493fs (NM_145862.3); short protein forms P301fs, P455fs, P493fs, P522fs, P524fs, P536fs, P553fs, P565fs.
Identifiers: ClinVar variation 4868937 (VCV004868937.1).

ClinVar aggregate classification (germline): Uncertain significance (1 of 4 stars; one submission).

Conditions:
Hereditary cancer-predisposing syndrome. Also called: Neoplastic Syndromes, Hereditary; Tumor predisposition; Hereditary Cancer Syndrome; Hereditary neoplastic syndrome. Identifiers: Orphanet 140162, MedGen C0027672, MeSH D009386, MONDO:0015356.

Submission:

Ambry Genetics
Classification: Uncertain significance for Hereditary cancer-predisposing syndrome. Last evaluated: 2026-05-07. Review status: criteria provided, single submitter. Criteria: Ambry Variant Classification Scheme 2023. Collection method: clinical testing. Allele origin: germline.
Comment: The c.1564_1576del13 variant, located in coding exon 14 of the CHEK2 gene, results from a deletion of 13 nucleotides at nucleotide positions 1564 to 1576, causing a translational frameshift with a predicted alternate stop codon (p.P522Kfs*40). This variant occurs at the 3' terminus of the gene, is not expected to trigger nonsense-mediated mRNAdecay and results in the elongation of the protein by 17 amino acids. This frameshift impacts the last 4% ofamino acids of the native protein. The exact functional effect of the altered amino acids is unknown. Based on the available evidence, the clinical significance of this variant remains unclear.